The following is an entry in ClinVar:

NM_005994.4(TBX2):c.951C>T (p.Gly317=)

Gene: TBX2 (T-box transcription factor 2; plus strand). Cytogenetic location: 17q23.2.
Variant type: single nucleotide variant.
Coding change: c.951C>T on transcript NM_005994.4 (MANE Select); coding-DNA position 951, C replaced by T.
Protein change: p.Gly317=; no amino-acid change (glycine 317 retained).
Molecular consequence: synonymous variant.
Genome position (GRCh38, 1-based): chr17:61,404,669, C>T. VCF-style: chr17-61404669-C-T. GRCh37 (hg19) VCF-style: chr17-59482030-C-T.
Identifiers: ClinVar variation 3352313 (VCV003352313.1).

ClinVar aggregate classification (germline): Likely benign (0 of 4 stars; one submission).

Conditions:
TBX2-related disorder. Also called: TBX2-related condition.

gnomAD v4.1: 31 of 1,587,446 alleles (0.002%); highest among the groups gnomAD compares: Non-Finnish European, 0.0027%; no homozygotes.

Submission:

PreventionGenetics, part of Exact Sciences
Classification: Likely benign for TBX2-related condition. Last evaluated: 2024-03-06. Review status: no assertion criteria provided. Collection method: clinical testing. Allele origin: germline.
Comment: This variant is classified as likely benign based on ACMG/AMP sequence variant interpretation guidelines (Richards et al. 2015 PMID: 25741868, with internal and published modifications).